The following is an entry in ClinVar:

ClinVar aggregate classification (germline): Benign/Likely benign. Review status: criteria provided, multiple submitters, no conflicts (2 of 4 stars). 3 submissions from 3 submitters: Benign (1); Likely benign (1). 1 of the submissions does not count toward it. Last evaluated 2025-10-02.

Conditions:
RAI1-related disorder. Also called: RAI1-related condition.
Inborn genetic diseases. Identifiers: MedGen C0950123, MeSH D030342.

Allele frequency attached by ClinVar (database versions not stated): TOPMed below 0.00001; gnomAD exomes 0.00001; gnomAD 0.00002; ExAC 0.00004.
gnomAD v4.1: 19 of 1,613,056 alleles (0.0012%); highest among the groups gnomAD compares: East Asian, 0.031%; no homozygotes.

Submissions (3):

Labcorp Genetics (formerly Invitae), Labcorp
Classification: Benign. Last evaluated: 2025-10-02. Review status: criteria provided, single submitter. Criteria: Invitae Variant Classification Sherloc (09022015). Collection method: clinical testing. Allele origin: germline.

Ambry Genetics
Classification: Likely benign for Inborn genetic diseases. Last evaluated: 2023-05-18. Review status: criteria provided, single submitter. Criteria: Ambry Variant Classification Scheme 2023. Collection method: clinical testing. Allele origin: germline.

PreventionGenetics, part of Exact Sciences
Classification: Likely benign for RAI1-related condition. Last evaluated: 2021-09-20. Review status: no assertion criteria provided. Collection method: clinical testing. Allele origin: germline. Not counted in ClinVar's aggregate classification.
Comment: This variant is classified as likely benign based on ACMG/AMP sequence variant interpretation guidelines (Richards et al. 2015 PMID: 25741868, with internal and published modifications).

NM_030665.4(RAI1):c.3820T>C (p.Ser1274Pro)

Gene: RAI1 (retinoic acid induced 1; plus strand). Cytogenetic location: 17p11.2.
Variant type: single nucleotide variant.
Coding change: c.3820T>C on transcript NM_030665.4 (MANE Select); coding-DNA position 3820, T replaced by C.
Protein change: p.Ser1274Pro; replaces serine 1274 with proline.
Molecular consequence: missense variant.
Genome position (GRCh38, 1-based): chr17:17,796,768, T>C. VCF-style: chr17-17796768-T-C. GRCh37 (hg19) VCF-style: chr17-17700082-T-C.
Other names: c.3820T>C (NM_030665.3); short protein forms S1274P.
Identifiers: ClinVar variation 2164129 (VCV002164129.8), dbSNP rs571691450, ClinGen allele CA8418829.